The following is an entry in ClinVar:

NM_198525.3(KIF7):c.235C>T (p.Leu79Phe)

Gene: KIF7 (kinesin family member 7; minus strand). Cytogenetic location: 15q26.1.
Variant type: single nucleotide variant.
Coding change: c.235C>T on transcript NM_198525.3 (MANE Select); coding-DNA position 235, C replaced by T.
Protein change: p.Leu79Phe; replaces leucine 79 with phenylalanine.
Molecular consequence: missense variant.
Genome position (GRCh38, 1-based): chr15:89,652,696, G>A on the plus strand (C>T on the coding strand, the complement: KIF7 is on the minus strand). VCF-style: chr15-89652696-G-A. GRCh37 (hg19) VCF-style: chr15-90195927-G-A.
Other names: short protein forms L79F.
Identifiers: ClinVar variation 452709 (VCV000452709.11), dbSNP rs1388988537, ClinGen allele CA393779976.

ClinVar aggregate classification (germline): Uncertain significance. Review status: criteria provided, multiple submitters, no conflicts (2 of 4 stars). 3 submissions from 3 submitters: Uncertain significance (3). Last evaluated 2025-10-15.

Conditions:
Inborn genetic diseases. Identifiers: MedGen C0950123, MeSH D030342.
Acrocallosal syndrome (ACLS). Also called: HALLUX DUPLICATION, POSTAXIAL POLYDACTYLY, AND ABSENCE OF CORPUS CALLOSUM; Schinzel syndrome 1; Absence of corpus callosum with unusual facial appearance, mental deficiency, duplication of the halluces and polydactyly. Identifiers: Orphanet 36, MedGen C0796147, MONDO:0008708, OMIM 200990.

Allele frequency attached by ClinVar (database versions not stated): TOPMed below 0.00001; gnomAD exomes 0.00001 and 0.00002; gnomAD 0.00003.

Submissions (3):

Ambry Genetics
Classification: Uncertain significance for Inborn genetic diseases. Last evaluated: 2025-10-15. Review status: criteria provided, single submitter. Criteria: Ambry Variant Classification Scheme 2023. Collection method: clinical testing. Allele origin: germline.

Labcorp Genetics (formerly Invitae), Labcorp
Classification: Uncertain significance for Acrocallosal syndrome. Last evaluated: 2021-03-09. Review status: criteria provided, single submitter. Criteria: Invitae Variant Classification Sherloc (09022015). Collection method: clinical testing. Allele origin: germline.
Comment: In summary, the available evidence is currently insufficient to determine the role of this variant in disease. Therefore, it has been classified as a Variant of Uncertain Significance. Algorithms developed to predict the effect of missense changes on protein structure and function are either unavailable or do not agree on the potential impact of this missense change (SIFT: "Deleterious"; PolyPhen-2: "Probably Damaging"; Align-GVGD: "Class C0"). This variant has not been reported in the literature in individuals with KIF7-related conditions. ClinVar contains an entry for this variant (Variation ID: 452709). This variant is not present in population databases (ExAC no frequency). This sequence change replaces leucine with phenylalanine at codon 79 of the KIF7 protein (p.Leu79Phe). The leucine residue is weakly conserved and there is a small physicochemical difference between leucine and phenylalanine.

GeneDx
Classification: Uncertain significance. Last evaluated: 2017-10-09. Review status: criteria provided, single submitter. Criteria: GeneDx Variant Classification (06012015). Collection method: clinical testing. Allele origin: germline. Affected: yes.
Comment: The L79F variant in the KIF7 gene has not been reported previously as a pathogenic variant, nor as a benign variant, to our knowledge. The L79F variant is not observed at a significant frequency in large population cohorts (Lek et al., 2016). The L79F variant is a conservative amino acid substitution, which is not likely to impact secondary protein structure as these residues share similar properties. This substitution occurs at a position where amino acids with similar properties to Leucine are tolerated across species. In silico analysis predicts this variant is probably damaging to the protein structure/function. We interpret L79F as a variant of uncertain significance.